The following is an entry in ClinVar:

NM_003579.4(RAD54L):c.1768A>G (p.Met590Val)

Gene: RAD54L (RAD54 like; plus strand). Cytogenetic location: 1p34.1.
Variant type: single nucleotide variant.
Coding change: c.1768A>G on transcript NM_003579.4 (MANE Select); coding-DNA position 1768, A replaced by G.
Protein change: p.Met590Val; replaces methionine 590 with valine.
Molecular consequence: missense variant.
Genome position (GRCh38, 1-based): chr1:46,274,616, A>G. VCF-style: chr1-46274616-A-G. GRCh37 (hg19) VCF-style: chr1-46740288-A-G.
Other names: c.1768A>G, p.Met590Val (NM_001142548.2); c.1228A>G, p.Met410Val (NM_001370766.1); short protein forms M410V, M590V.
Identifiers: ClinVar variation 2447782 (VCV002447782.2), dbSNP rs2525718539, ClinGen allele CA340185634.

ClinVar aggregate classification (germline): Uncertain significance (1 of 4 stars; one submission).

Allele frequency attached by ClinVar (database versions not stated): gnomAD exomes below 0.00001.
gnomAD v4.1: 7 of 1,614,036 alleles (0.00043%); highest among the groups gnomAD compares: Non-Finnish European, 0.00051%; no homozygotes.

Submission:

Ambry Genetics
Classification: Uncertain significance. Last evaluated: 2022-11-02. Review status: criteria provided, single submitter. Criteria: Ambry Variant Classification Scheme 2023. Collection method: clinical testing. Allele origin: germline.
Comment: The p.M590V variant (also known as c.1768A>G), located in coding exon 16 of the RAD54L gene, results from an A to G substitution at nucleotide position 1768. The methionine at codon 590 is replaced by valine, an amino acid with highly similar properties. This amino acid position is conserved. In addition, this alteration is predicted to be deleterious by in silico analysis. Since supporting evidence is limited at this time, the clinical significance of this alteration remains unclear.